The following is an entry in ClinVar:

NM_000077.5(CDKN2A):c.355G>A (p.Glu119Lys)

Gene: CDKN2A (cyclin dependent kinase inhibitor 2A; minus strand). Cytogenetic location: 9p21.3.
Variant type: single nucleotide variant.
Coding change: c.355G>A on transcript NM_000077.5; coding-DNA position 355, G replaced by A.
Protein change: p.Glu119Lys; replaces glutamic acid 119 with lysine.
Molecular consequence: missense variant (on NM_000077.6). On other transcripts: synonymous variant (1), 3 prime UTR variant (1).
Genome position (GRCh38, 1-based): chr9:21,971,004, C>T on the plus strand (G>A on the coding strand, the complement: CDKN2A is on the minus strand). VCF-style: chr9-21971004-C-T. GRCh37 (hg19) VCF-style: chr9-21971003-C-T.
Other names: c.355G>A, p.Glu119Lys (NM_000077.6, NM_001195132.2); c.202G>A, p.Glu68Lys (NM_001363763.2); c.398G>A, p.Ter133= (NM_058195.4); c.*278G>A (NM_058197.5); short protein forms E119K, E68K.
Identifiers: ClinVar variation 570565 (VCV000570565.11), dbSNP rs1563888963, ClinGen allele CA373085993.
Genomic context (GRCh38, chr9:21,971,004, plus strand): 5'-CTCTGGTGCCCCCCGCAGCCGCGCGCAGGTACCGTGCGACATCGCGATGGCCCAGCTCCT[C>T]AGCCAGGTCCACGGGCAGACGGCCCCAGGCATCGCGCACGTCCAGCCGCGCCCCGGCCCG-3'
Protein context (NP_000068.1, residues 109-129): AWGRLPVDLA[Glu119Lys]ELGHRDVARY

ClinVar aggregate classification (germline): Uncertain significance. Review status: criteria provided, multiple submitters, no conflicts (2 of 4 stars). 2 submissions from 2 submitters: Uncertain significance (2). Last evaluated 2024-02-07.

Conditions:
Familial melanoma. Also called: Hereditary melanoma; Hereditary cutaneous melanoma. Identifiers: Orphanet 618, MedGen C1512419, MONDO:0018961.
Hereditary cancer-predisposing syndrome. Also called: Hereditary neoplastic syndrome; Neoplastic Syndromes, Hereditary; Hereditary Cancer Syndrome; Tumor predisposition. Identifiers: Orphanet 140162, MedGen C0027672, MeSH D009386, MONDO:0015356.

Allele frequency attached by ClinVar (database versions not stated): gnomAD exomes below 0.00001; TOPMed below 0.00001.
gnomAD v4.1: 2 of 1,608,992 alleles (0.00012%); highest among the groups gnomAD compares: Non-Finnish European, 0.00017%; no homozygotes.

Submissions (2):

Ambry Genetics
Classification: Uncertain significance for Hereditary cancer-predisposing syndrome. Last evaluated: 2024-02-07. Review status: criteria provided, single submitter. Criteria: Ambry Variant Classification Scheme 2023. Collection method: clinical testing. Allele origin: germline.
Comment: The p.E119K variant (also known as c.355G>A), located in coding exon 2 of the CDKN2A gene, results from a G to A substitution at nucleotide position 355. The glutamic acid at codon 119 is replaced by lysine, an amino acid with similar properties. This amino acid position is not well conserved in available vertebrate species. In addition, the in silico prediction for this alteration is inconclusive. Based on the available evidence, the clinical significance of this alteration remains unclear.

Labcorp Genetics (formerly Invitae), Labcorp
Classification: Uncertain significance for Familial melanoma. Last evaluated: 2023-11-28. Review status: criteria provided, single submitter. Criteria: Invitae Variant Classification Sherloc (09022015). Collection method: clinical testing. Allele origin: germline.
Comment: This sequence change replaces glutamic acid, which is acidic and polar, with lysine, which is basic and polar, at codon 119 of the CDKN2A (p16INK4a) protein (p.Glu119Lys). This variant is not present in population databases (gnomAD no frequency). This variant has not been reported in the literature in individuals affected with CDKN2A (p16INK4a)-related conditions. ClinVar contains an entry for this variant (Variation ID: 570565). An algorithm developed to predict the effect of missense changes on protein structure and function (PolyPhen-2) suggests that this variant¬†is likely to be tolerated. In summary, the available evidence is currently insufficient to determine the role of this variant in disease. Therefore, it has been classified as a Variant of Uncertain Significance.